The following is an entry in ClinVar:

ClinVar aggregate classification (germline): Uncertain significance. Review status: criteria provided, multiple submitters, no conflicts (2 of 4 stars). 6 submissions from 6 submitters: Uncertain significance (5). 1 of the submissions does not count toward it. Last evaluated 2025-10-10.

Conditions:
Inborn genetic diseases. Identifiers: MedGen C0950123, MeSH D030342.
NPHP3-related Meckel-like syndrome. Also called: GOLDSTON SYNDROME; Meckel syndrome type 7. Identifiers: Orphanet 3032, MedGen C2673885, MONDO:0009966, OMIM 267010.
Nephronophthisis 3 (NPHP3). Also called: Adolescent nephronophthisis. Identifiers: Orphanet 655, MedGen C1858392, MONDO:0011456, OMIM 604387.
Renal-hepatic-pancreatic dysplasia 1 (RHPD1). Identifiers: MedGen C3715199, MONDO:0008833, OMIM 208540.
NPHP3-related disorder. Also called: NPHP3-related condition; NPHP3-related disorders. Identifiers: MedGen CN379163.
Nephronophthisis. Also called: Juvenile Nephronophthisis. Identifiers: Orphanet 655, MedGen C0687120, MONDO:0019005, HP:0000090.

Allele frequency attached by ClinVar (database versions not stated): ExAC 0.00010; TOPMed 0.00012; gnomAD exomes 0.00013 and 0.00036; gnomAD 0.00014 and 0.00015; ESP Exome Variant Server 0.00015; 1000 Genomes Project 30x 0.00016; 1000 Genomes Project 0.00020.
gnomAD v4.1: 538 of 1,614,034 alleles (0.033%); highest among the groups gnomAD compares: Non-Finnish European, 0.044%; no homozygotes.

Submissions (6):

GeneDx
Classification: Uncertain significance. Last evaluated: 2025-10-10. Review status: criteria provided, single submitter. Criteria: GeneDx Variant Classification Process June 2021. Collection method: clinical testing. Allele origin: germline. Affected: yes.
Comment: In silico analysis suggests that this missense variant does not alter protein structure/function; Has not been previously published as pathogenic or benign to our knowledge

Blueprint Genetics
Classification: Uncertain significance. Last evaluated: 2024-11-06. Review status: criteria provided, single submitter. Criteria: ACMG Guidelines, 2015. Collection method: clinical testing. Allele origin: germline.

Labcorp Genetics (formerly Invitae), Labcorp
Classification: Uncertain significance for Nephronophthisis. Last evaluated: 2022-10-25. Review status: criteria provided, single submitter. Criteria: Invitae Variant Classification Sherloc (09022015). Collection method: clinical testing. Allele origin: germline.
Comment: This sequence change replaces arginine, which is basic and polar, with cysteine, which is neutral and slightly polar, at codon 605 of the NPHP3 protein (p.Arg605Cys). This variant is present in population databases (rs144731534, gnomAD 0.03%). This variant has not been reported in the literature in individuals affected with NPHP3-related conditions. ClinVar contains an entry for this variant (Variation ID: 343387). Advanced modeling of protein sequence and biophysical properties (such as structural, functional, and spatial information, amino acid conservation, physicochemical variation, residue mobility, and thermodynamic stability) performed at Invitae indicates that this missense variant is not expected to disrupt NPHP3 protein function. In summary, the available evidence is currently insufficient to determine the role of this variant in disease. Therefore, it has been classified as a Variant of Uncertain Significance.

Ambry Genetics
Classification: Uncertain significance for Inborn genetic diseases. Last evaluated: 2022-09-07. Review status: criteria provided, single submitter. Criteria: Ambry Variant Classification Scheme 2023. Collection method: clinical testing. Allele origin: germline.

Fulgent Genetics
Classification: Uncertain significance for Renal-hepatic-pancreatic dysplasia 1; NPHP3-related Meckel-like syndrome; Nephronophthisis 3. Last evaluated: 2022-05-17. Review status: criteria provided, single submitter. Criteria: ACMG Guidelines, 2015. Collection method: clinical testing. Allele origin: unknown.

PreventionGenetics, part of Exact Sciences
Classification: Uncertain significance for NPHP3-related condition. Last evaluated: 2023-12-23. Review status: no assertion criteria provided. Collection method: clinical testing. Allele origin: germline. Not counted in ClinVar's aggregate classification.
Comment: The NPHP3 c.1813C>T variant is predicted to result in the amino acid substitution p.Arg605Cys. To our knowledge, this variant has not been reported in the literature. This variant is reported in 0.028% of alleles in individuals of European (Non-Finnish) descent in gnomAD. At this time, the clinical significance of this variant is uncertain due to the absence of conclusive functional and genetic evidence.

NM_153240.5(NPHP3):c.1813C>T (p.Arg605Cys)

Genes: NPHP3 (nephrocystin 3; minus strand), NPHP3-ACAD11 (NPHP3-ACAD11 readthrough (NMD candidate); minus strand). Cytogenetic location: 3q22.1.
Variant type: single nucleotide variant.
Coding change: c.1813C>T on transcript NM_153240.5 (MANE Select); coding-DNA position 1813, C replaced by T.
Protein change: p.Arg605Cys; replaces arginine 605 with cysteine.
Molecular consequence: missense variant. On other transcripts: non-coding transcript variant (1).
Genome position (GRCh38, 1-based): chr3:132,699,992, G>A on the plus strand (C>T on the coding strand, the complement: NPHP3 is on the minus strand). VCF-style: chr3-132699992-G-A. GRCh37 (hg19) VCF-style: chr3-132418836-G-A.
Other names: short protein forms R605C.
Identifiers: ClinVar variation 343387 (VCV000343387.16), dbSNP rs144731534, ClinGen allele CA2622198.